The following is an entry in ClinVar:

NM_020361.5(CPA6):c.1198C>T (p.Arg400Cys)

Genes: ARFGEF1-DT (ARFGEF1 divergent transcript; plus strand), CPA6 (carboxypeptidase A6; minus strand). Cytogenetic location: 8q13.2.
Variant type: single nucleotide variant.
Coding change: c.1198C>T on transcript NM_020361.5 (MANE Select); coding-DNA position 1198, C replaced by T.
Protein change: p.Arg400Cys; replaces arginine 400 with cysteine.
Molecular consequence: missense variant.
Genome position (GRCh38, 1-based): chr8:67,422,620, G>A on the plus strand (C>T on the coding strand, the complement: CPA6 is on the minus strand). VCF-style: chr8-67422620-G-A. GRCh37 (hg19) VCF-style: chr8-68334855-G-A.
Other names: short protein forms R400C.
Identifiers: ClinVar variation 4881401 (VCV004881401.2).

ClinVar aggregate classification (germline): Uncertain significance (1 of 4 stars; one submission).

Conditions:
Familial temporal lobe epilepsy 5. Identifiers: MedGen C3280730, MONDO:0013741, OMIM 614417.

Submission:

Dasa
Classification: Uncertain significance for Familial temporal lobe epilepsy 5. Last evaluated: 2025-10-16. Review status: criteria provided, single submitter. Criteria: DASA Assertion Criteria. Collection method: clinical testing. Allele origin: germline.
Comment: NM_020361.5(CPA6):c.1198C>T (p.Arg400Cys) is a missense variant that results in the substitution of arginine with cysteine. This variant is rare in population databases. The currently available literature and clinical evidence are not sufficient to establish a definitive association between this variant and the reported condition. Therefore, this variant is classified as a variant of uncertain significance.